The following is an entry in ClinVar:

ClinVar aggregate classification (germline): Uncertain significance. Review status: criteria provided, multiple submitters, no conflicts (2 of 4 stars). 4 submissions from 4 submitters: Uncertain significance (4). Last evaluated 2026-06-25.

Conditions:
Autosomal recessive limb-girdle muscular dystrophy type 2J (LGMDR10). Also called: Limb-girdle muscular dystrophy, type 2J; MUSCULAR DYSTROPHY, LIMB-GIRDLE, AUTOSOMAL RECESSIVE 10. Identifiers: Orphanet 140922, MedGen C1837342, MONDO:0012127, OMIM 608807.
Dilated cardiomyopathy 1G (CMD1G). Identifiers: Orphanet 154, MedGen C1858763, MONDO:0011400, OMIM 604145.
TTN-related disorder. Also called: TTN-related condition; TTN-related disease; TTN-related disorders.

Allele frequency attached by ClinVar (database versions not stated): ExAC 0.00001; TOPMed 0.00001.
gnomAD v4.1: 11 of 1,613,354 alleles (0.00068%); highest among the groups gnomAD compares: Non-Finnish European, 0.00093%; no homozygotes.

Submissions (4):

PreventionGenetics, part of Exact Sciences
Classification: Uncertain significance for TTN-related condition. Last evaluated: 2026-06-25. Review status: criteria provided, single submitter. Criteria: ACMG Guidelines, 2015. Collection method: clinical testing. Allele origin: germline.
Comment: The TTN c.60755T>C variant is predicted to result in the amino acid substitution p.Ile20252Thr. To our knowledge, this variant has not been reported in the literature. This variant is reported in 0.0018% of alleles in individuals of European (Non-Finnish) descent in gnomAD. At this time, the clinical significance of this variant is uncertain due to the absence of conclusive functional and genetic evidence.

Women's Health and Genetics/Laboratory Corporation of America, LabCorp
Classification: Uncertain significance. Last evaluated: 2026-05-25. Review status: criteria provided, single submitter. Criteria: LabCorp Variant Classification Summary - May 2015. Collection method: clinical testing. Allele origin: germline.

Mayo Clinic Laboratories, Mayo Clinic
Classification: Uncertain significance. Last evaluated: 2025-10-09. Review status: criteria provided, single submitter. Criteria: ACMG Guidelines, 2015. Collection method: clinical testing. Allele origin: germline. Observed: 2 variant alleles.
Comment: BP4, PM2_supporting

Labcorp Genetics (formerly Invitae), Labcorp
Classification: Uncertain significance for Dilated cardiomyopathy 1G; Autosomal recessive limb-girdle muscular dystrophy type 2J. Last evaluated: 2017-08-04. Review status: criteria provided, single submitter. Criteria: Invitae Variant Classification Sherloc (09022015). Collection method: clinical testing. Allele origin: germline.

NM_001267550.2(TTN):c.60755T>C (p.Ile20252Thr)

Genes: TTN (titin; minus strand), TTN-AS1 (TTN antisense RNA 1; plus strand). Cytogenetic location: 2q31.2.
Variant type: single nucleotide variant.
Coding change: c.60755T>C on transcript NM_001267550.2 (MANE Select); coding-DNA position 60755, T replaced by C.
Protein change: p.Ile20252Thr; replaces isoleucine 20252 with threonine.
Molecular consequence: missense variant.
Genome position (GRCh38, 1-based): chr2:178,590,970, A>G on the plus strand (T>C on the coding strand, the complement: TTN is on the minus strand). VCF-style: chr2-178590970-A-G. GRCh37 (hg19) VCF-style: chr2-179455697-A-G.
Other names: p.Ile17684Thr; c.55832T>C, p.Ile18611Thr (NM_001256850.1); c.33560T>C, p.Ile11187Thr (NM_003319.4); c.53051T>C, p.Ile17684Thr (NM_133378.4); c.33935T>C, p.Ile11312Thr (NM_133432.3); c.34136T>C, p.Ile11379Thr (NM_133437.4); short protein forms I20252T, I11187T, I17684T, I18611T, I11312T, I11379T.
Identifiers: ClinVar variation 467336 (VCV000467336.6), dbSNP rs752999797, ClinGen allele CA1992451.
Genomic context (GRCh38, chr2:178,590,970, plus strand): 5'-GGAGGACTAAATTTATGCTTAGCAACAGTAGGTGTGGAGTCAAGGGGAGGACCAACACCT[A>G]TCTTATTCTCTGCTCTAACTCGGAAAACATATTCACAGCCCTTCTGCAGATGTGGGATTT-3'
Protein context (NP_001254479.2, residues 20242-20262): YVFRVRAENK[Ile20252Thr]GVGPPLDSTP